The following is an entry in ClinVar:

NM_001365951.3(KIF1B):c.1772delinsTCCC (p.Gly591delinsValPro)

Gene: KIF1B (kinesin family member 1B; plus strand). Cytogenetic location: 1p36.22.
Variant type: Indel.
Coding change: c.1772delinsTCCC on transcript NM_001365951.3 (MANE Select); coding-DNA position 1772, G replaced by TCCC.
Protein change: p.Gly591delinsValPro.
Molecular consequence: inframe indel.
Genome position (GRCh38, 1-based): chr1:10,295,761, G replaced by TCCC. VCF-style: chr1-10295761-G-TCCC. GRCh37 (hg19) VCF-style: chr1-10355819-G-TCCC.
Other names: c.1772delinsTCCC, p.Gly591delinsValPro (NM_001365952.1); c.1634delinsTCCC, p.Gly545delinsValPro (NM_001365953.1, NM_015074.3, NM_183416.4); c.1634delGinsTCCC (NM_015074.3).
Identifiers: ClinVar variation 1776896 (VCV001776896.3), dbSNP rs2521391428, ClinGen allele CA913187310.
Genomic context (GRCh38, chr1:10,295,761, plus strand): 5'-TGAGCGGGGCTCACATTAAAGAAGAGCATTGTATCTTCCGGAGTGAGAGAAGCAACAGCG[G>TCCC]GGAAGGTGAGCATTCCTGGCTGGAGCTTCAGCAACAACATTTTCATTTTATATTATGAGA-3'

ClinVar aggregate classification (germline): Uncertain significance. Review status: criteria provided, multiple submitters, no conflicts (2 of 4 stars). 2 submissions from 2 submitters: Uncertain significance (2). Last evaluated 2026-02-11.

Conditions:
Neuroblastoma, susceptibility to, 1. Identifiers: MedGen C2749485, MONDO:0009741, OMIM 256700.

Submissions (2):

St. Jude Molecular Pathology, St. Jude Children's Research Hospital
Classification: Uncertain significance for Neuroblastoma, susceptibility to, 1. Last evaluated: 2026-02-11. Review status: criteria provided, single submitter. Criteria: St. Jude Assertion Criteria 2020. Collection method: clinical testing. Allele origin: germline.
Comment: The KIF1B c.1634delinsTCCC p.(Gly545delinsValPro) change results from the deletion of 1 nucleotide and insertion of 4 nucleotides, replacing 1 amino acid with 2 different amino acids. This variant is absent in gnomAD v2.1.1. To our knowledge, this variant has not been reported in individuals with pheochromocytoma or neuroblastoma. In summary, the evidence currently available is insufficient to determine the clinical significance of this variant. It has therefore been classified as of uncertain significance.

Ambry Genetics
Classification: Uncertain significance. Last evaluated: 2024-02-07. Review status: criteria provided, single submitter. Criteria: Ambry Variant Classification Scheme 2023. Collection method: clinical testing. Allele origin: germline.
Comment: The c.1634delGinsTCCC variant (also known as p.G545delinsVP), located in coding exon 16 of the KIF1B gene, results from an in-frame deletion of G and insertion of TCCC at nucleotide position 1634. This results in the deletion of a glycine residue, and insertion of 2 residues (VP) at codon 545. This amino acid position is highly conserved in available vertebrate species. In addition, this alteration is predicted to be deleterious by in silico analysis (Choi Y et al. PLoS ONE. 2012; 7(10):e46688). The evidence for this gene-disease relationship is limited; therefore, the clinical significance of this alteration is unclear.